The following is an entry in ClinVar:

ClinVar aggregate classification (germline): Benign/Likely benign. Review status: criteria provided, multiple submitters, no conflicts (2 of 4 stars). 4 submissions from 4 submitters: Benign (1); Likely benign (2). 1 of the submissions does not count toward it. Last evaluated 2026-07-01.

Conditions:
INTS1-related disorder. Also called: INTS1-related condition.

Allele frequency attached by ClinVar (database versions not stated): 1000 Genomes Project 0.00060; 1000 Genomes Project 30x 0.00062; ESP Exome Variant Server 0.00231; ExAC 0.00263; TOPMed 0.00271; gnomAD exomes 0.00378; gnomAD 0.00423.
gnomAD v4.1: 6,048 of 1,542,078 alleles (0.39%); highest among the groups gnomAD compares: Non-Finnish European, 0.39%; 31 homozygotes.

Submissions (4):

CeGaT Center for Human Genetics Tuebingen
Classification: Likely benign. Last evaluated: 2026-07-01. Review status: criteria provided, single submitter. Criteria: CeGaT Center For Human Genetics Tuebingen Variant Classification Criteria Version 2. Collection method: clinical testing. Allele origin: germline. Affected: yes. Observed: 16 variant alleles.
Comment: INTS1: BP4, BP7, BS2

Blueprint Genetics
Classification: Likely benign. Last evaluated: 2024-11-21. Review status: criteria provided, single submitter. Criteria: ACMG Guidelines, 2015. Collection method: clinical testing. Allele origin: germline.

Labcorp Genetics (formerly Invitae), Labcorp
Classification: Benign. Last evaluated: 2019-12-31. Review status: criteria provided, single submitter. Criteria: Invitae Variant Classification Sherloc (09022015). Collection method: clinical testing. Allele origin: germline.

PreventionGenetics, part of Exact Sciences
Classification: Likely benign for INTS1-related condition. Last evaluated: 2019-04-25. Review status: no assertion criteria provided. Collection method: clinical testing. Allele origin: germline. Not counted in ClinVar's aggregate classification.
Comment: This variant is classified as likely benign based on ACMG/AMP sequence variant interpretation guidelines (Richards et al. 2015 PMID: 25741868, with internal and published modifications).

NM_001080453.3(INTS1):c.5484C>T (p.Ala1828=)

Gene: INTS1 (integrator complex subunit 1; minus strand). Cytogenetic location: 7p22.3.
Variant type: single nucleotide variant.
Coding change: c.5484C>T on transcript NM_001080453.3 (MANE Select); coding-DNA position 5484, C replaced by T.
Protein change: p.Ala1828=; no amino-acid change (alanine 1828 retained).
Molecular consequence: synonymous variant.
Genome position (GRCh38, 1-based): chr7:1,475,966, G>A on the plus strand (C>T on the coding strand, the complement: INTS1 is on the minus strand). VCF-style: chr7-1475966-G-A. GRCh37 (hg19) VCF-style: chr7-1515602-G-A.
Identifiers: ClinVar variation 789188 (VCV000789188.31), dbSNP rs193130310, ClinGen allele CA4118422.